The following is an entry in ClinVar:

ClinVar aggregate classification (germline): Pathogenic (1 of 4 stars; one submission).

Submission:

Quest Diagnostics Nichols Institute San Juan Capistrano
Classification: Pathogenic. Last evaluated: 2023-06-06. Review status: criteria provided, single submitter. Criteria: ACMG/ClinGen CNV Guidelines, 2019. Collection method: clinical testing. Allele origin: unknown.
Comment: The gain of 1q42.13q44 involves numerous protein-coding genes. Increased dosage of AKT3 has been reported in individuals with macrocephaly, developmental delay, intellectual disability, and dysmorphic characteristics (Chung 2014, Lopes 2019, Wang 2016). In addition, duplications overlapping the current interval have been reported in individuals with variable phenotypes (Morris 2016, Wang 2013, Sifakis 2014, Utine 2007, Watanabe 2016). There are no similar copy number gains of this region in the general populations of the Database of Genomic Variants. Thus, based upon gene content and current medical literature, this copy number variant (CNV) is classified as pathogenic. References: Chung et al., Am J Med Genet A. 2014 Jul;164A(7):1868-9. PMID: 24700746 Lopes et al., Front Genet. 2019 Feb 22;10:58. PMID: 30853971 Morris et al., Mol Syndromol. 2016 Feb;6(6):297-303. PMID: 27022331 Sifakis et al., Birth Defects Res A Clin Mol Teratol. 2014 Apr;100(4):284-93. PMID: 24677675 Utine et al., Prenat Diagn. 2007 Sep;27(9):865-71. PMID: 17605151 Wang et al., Am J Med Genet A. 2013 Aug;161A(8):2016-9. PMID: 23794269 Watanabe et al., Am J Med Genet A. 2016 Apr;170A(4):908-17. PMID: 26782913

GRCh37/hg19 1q42.13-44(chr1:229373250-249206595)x3

Genes: ABCB10 (ATP binding cassette subfamily B member 10; minus strand), ACTA1 (actin alpha 1, skeletal muscle; minus strand), ACTN2 (actinin alpha 2; plus strand), ADSS2 (adenylosuccinate synthase 2; minus strand), AGT (angiotensinogen; minus strand) and 134 more. Cytogenetic location: 1q42.13-44.
Variant type: copy number gain.
Change: copy number 3 (three copies instead of two) of chr1:229,373,250-249,206,595 (19.83 Mb, GRCh37 coordinates, 1-based), cytogenetic band 1q42.13-44.
Identifiers: ClinVar variation 2685840 (VCV002685840.1).